The following is an entry in ClinVar:

ClinVar aggregate classification (germline): Uncertain significance (1 of 4 stars; one submission).

Conditions:
Bardet-Biedl syndrome (BBS). Identifiers: Orphanet 110, MedGen C0752166, MONDO:0015229.

gnomAD v4.1: 2 of 1,614,092 alleles (0.00012%); highest among the groups gnomAD compares: Non-Finnish European, 0.00017%; no homozygotes.

Submission:

Labcorp Genetics (formerly Invitae), Labcorp
Classification: Uncertain significance for Bardet-Biedl syndrome. Last evaluated: 2022-03-01. Review status: criteria provided, single submitter. Criteria: Invitae Variant Classification Sherloc (09022015). Collection method: clinical testing. Allele origin: germline.
Comment: This sequence change replaces threonine, which is neutral and polar, with serine, which is neutral and polar, at codon 257 of the BBS4 protein (p.Thr257Ser). This variant is present in population databases (no rsID available, gnomAD 0.0009%). This variant has not been reported in the literature in individuals affected with BBS4-related conditions. Algorithms developed to predict the effect of missense changes on protein structure and function (SIFT, PolyPhen-2, Align-GVGD) all suggest that this variant is likely to be tolerated. In summary, the available evidence is currently insufficient to determine the role of this variant in disease. Therefore, it has been classified as a Variant of Uncertain Significance.

NM_033028.5(BBS4):c.770C>G (p.Thr257Ser)

Gene: BBS4 (Bardet-Biedl syndrome 4; plus strand). Cytogenetic location: 15q24.1.
Variant type: single nucleotide variant.
Coding change: c.770C>G on transcript NM_033028.5 (MANE Select); coding-DNA position 770, C replaced by G.
Protein change: p.Thr257Ser; replaces threonine 257 with serine.
Molecular consequence: missense variant. On other transcripts: non-coding transcript variant (2).
Genome position (GRCh38, 1-based): chr15:72,731,363, C>G. VCF-style: chr15-72731363-C-G. GRCh37 (hg19) VCF-style: chr15-73023704-C-G.
Other names: c.254C>G, p.Thr85Ser (NM_001252678.2); c.701C>G, p.Thr234Ser (NM_001320665.2); short protein forms T257S, T234S, T85S.
Identifiers: ClinVar variation 2098698 (VCV002098698.4), dbSNP rs993204306, ClinGen allele CA393078380.